The following is an entry in ClinVar:

ClinVar aggregate classification (germline): Likely benign (1 of 4 stars; one submission).

gnomAD v4.1: 23 of 1,613,932 alleles (0.0014%); highest among the groups gnomAD compares: East Asian, 0.018%; no homozygotes.

Submission:

CeGaT Center for Human Genetics Tuebingen
Classification: Likely benign. Last evaluated: 2024-11-01. Review status: criteria provided, single submitter. Criteria: CeGaT Center For Human Genetics Tuebingen Variant Classification Criteria Version 2. Collection method: clinical testing. Allele origin: germline. Affected: yes. Observed: 1 variant allele.
Comment: NCOR1: BP4, BP7

NM_006311.4(NCOR1):c.1800C>T (p.Ala600=)

Gene: NCOR1 (nuclear receptor corepressor 1; minus strand). Cytogenetic location: 17p11.2.
Variant type: single nucleotide variant.
Coding change: c.1800C>T on transcript NM_006311.4 (MANE Select); coding-DNA position 1800, C replaced by T.
Protein change: p.Ala600=; no amino-acid change (alanine 600 retained).
Molecular consequence: synonymous variant.
Genome position (GRCh38, 1-based): chr17:16,121,104, G>A on the plus strand (C>T on the coding strand, the complement: NCOR1 is on the minus strand). VCF-style: chr17-16121104-G-A. GRCh37 (hg19) VCF-style: chr17-16024418-G-A.
Other names: c.1473C>T, p.Ala491= (NM_001190438.2); c.1800C>T, p.Ala600= (NM_001190440.2).
Identifiers: ClinVar variation 3388400 (VCV003388400.14).